The following is an entry in ClinVar:

NM_001017980.4(VMA21):c.154A>G (p.Ile52Val)

Gene: VMA21 (vacuolar ATPase assembly factor VMA21; plus strand). Cytogenetic location: Xq28.
Variant type: single nucleotide variant.
Coding change: c.154A>G on transcript NM_001017980.4 (MANE Select); coding-DNA position 154, A replaced by G.
Protein change: p.Ile52Val; replaces isoleucine 52 with valine.
Molecular consequence: missense variant.
Genome position (GRCh38, 1-based): chrX:151,403,731, A>G. VCF-style: chrX-151403731-A-G. GRCh37 (hg19) VCF-style: chrX-150572203-A-G.
Other names: c.319A>G, p.Ile107Val (NM_001363810.1); short protein forms I107V, I52V.
Identifiers: ClinVar variation 3051434 (VCV003051434.2), dbSNP rs2520627858, ClinGen allele CA415271088.

ClinVar aggregate classification (germline): Uncertain significance (0 of 4 stars; one submission).

Conditions:
VMA21-related disorder. Also called: VMA21-related condition.

Allele frequency attached by ClinVar (database versions not stated): gnomAD exomes below 0.00001.
gnomAD v4.1: 1 of 1,189,772 alleles (0.000084%); highest among the groups gnomAD compares: African/African-American, 0.0017%; no homozygotes.

Submission:

PreventionGenetics, part of Exact Sciences
Classification: Uncertain significance for VMA21-related condition. Last evaluated: 2024-01-04. Review status: no assertion criteria provided. Collection method: clinical testing. Allele origin: germline.
Comment: The VMA21 c.154A>G variant is predicted to result in the amino acid substitution p.Ile52Val. To our knowledge, this variant has not been reported in the literature or in a large population database, indicating this variant is rare. At this time, the clinical significance of this variant is uncertain due to the absence of conclusive functional and genetic evidence.